The following is an entry in ClinVar:

NM_000081.4(LYST):c.3050G>A (p.Ser1017Asn)

Gene: LYST (lysosomal trafficking regulator; minus strand). Cytogenetic location: 1q42.3.
Variant type: single nucleotide variant.
Coding change: c.3050G>A on transcript NM_000081.4 (MANE Select); coding-DNA position 3050, G replaced by A.
Protein change: p.Ser1017Asn; replaces serine 1017 with asparagine.
Molecular consequence: missense variant.
Genome position (GRCh38, 1-based): chr1:235,806,086, C>T on the plus strand (G>A on the coding strand, the complement: LYST is on the minus strand). VCF-style: chr1-235806086-C-T. GRCh37 (hg19) VCF-style: chr1-235969386-C-T.
Other names: c.3050G>A (NM_000081.2); c.3050G>A, p.Ser1017Asn (NM_001301365.1); short protein forms S1017N.
Identifiers: ClinVar variation 254916 (VCV000254916.25), dbSNP rs10465613, ClinGen allele CA1467152.

ClinVar aggregate classification (germline): Benign. Review status: criteria provided, multiple submitters, no conflicts (2 of 4 stars). 9 submissions from 9 submitters: Benign (7). 2 of the submissions do not count toward it. Last evaluated 2026-02-04.

Conditions:
Autoinflammatory syndrome. Identifiers: Orphanet 93665, MedGen C3890737, MONDO:0019751.
Chédiak-Higashi syndrome (CHS). Also called: Chediak-Higashi Syndrome. Identifiers: Orphanet 167, MedGen C0007965, MONDO:0008963, OMIM 214500.

Allele frequency attached by ClinVar (database versions not stated): gnomAD exomes 0.00394 and 0.01065; ExAC 0.01305; gnomAD 0.03661; ESP Exome Variant Server 0.04406; TOPMed 0.04437; 1000 Genomes Project 0.04712; 1000 Genomes Project 30x 0.04950.
gnomAD v4.1: 12,213 of 1,613,654 alleles (0.76%); highest among the groups gnomAD compares: African/African-American, 14%; 784 homozygotes.

Submissions (19):

Labcorp Genetics (formerly Invitae), Labcorp
Classification: Benign for Chédiak-Higashi syndrome. Last evaluated: 2026-02-04. Review status: criteria provided, single submitter. Criteria: Invitae Variant Classification Sherloc (09022015). Collection method: clinical testing. Allele origin: germline.

Mayo Clinic Laboratories, Mayo Clinic
Classification: Benign. Last evaluated: 2023-09-24. Review status: criteria provided, single submitter. Criteria: ACMG Guidelines, 2015. Collection method: clinical testing. Allele origin: germline. Observed: 76 variant alleles.

Genome Diagnostics Laboratory, The Hospital for Sick Children
Classification: Benign for Autoinflammatory syndrome. Last evaluated: 2022-02-25. Review status: criteria provided, single submitter. Criteria: ACMG Guidelines, 2015. Collection method: clinical testing. Allele origin: germline. Affected: yes.

GeneDx
Classification: Benign. Last evaluated: 2019-07-14. Review status: criteria provided, single submitter. Criteria: GeneDx Variant Classification Process June 2021. Collection method: clinical testing. Allele origin: germline. Affected: yes.

Illumina Laboratory Services, Illumina
Classification: Benign for Chédiak-Higashi syndrome. Last evaluated: 2018-01-12. Review status: criteria provided, single submitter. Criteria: ICSL Variant Classification Criteria 13 December 2019. Collection method: clinical testing. Allele origin: germline.
Comment: This variant was observed in the ICSL laboratory as part of a predisposition screen in an ostensibly healthy population. It had not been previously curated by ICSL or reported in the Human Gene Mutation Database (HGMD: prior to June 1st, 2018), and was therefore a candidate for classification through an automated scoring system. Utilizing variant allele frequency, disease prevalence and penetrance estimates, and inheritance mode, an automated score was calculated to assess if this variant is too frequent to cause the disease. Based on the score and internal cut-off values, a variant classified as benign is not then subjected to further curation. The score for this variant resulted in a classification of benign for this disease.

Breakthrough Genomics
Classification: Benign. Review status: criteria provided, single submitter. Criteria: ACMG Guidelines, 2015. Collection method: not provided. Allele origin: germline. Inheritance: Autosomal recessive inheritance. Affected: yes.

PreventionGenetics, part of Exact Sciences
Classification: Benign. Review status: criteria provided, single submitter. Criteria: ACMG Guidelines, 2015. Collection method: clinical testing. Allele origin: germline.

Dr. Peter K. Rogan Lab, Western University
No classification provided (evidence only). Condition: Clear cell carcinoma of kidney. Review status: no classification provided. Collection method: in vitro. Allele origin: not applicable. Functional consequence: retained intron. Not counted in ClinVar's aggregate classification.

Dr. Peter K. Rogan Lab, Western University
No classification provided (evidence only). Condition: Clear cell carcinoma of kidney. Review status: no classification provided. Collection method: in vitro. Allele origin: not applicable. Functional consequence: retained intron. Not counted in ClinVar's aggregate classification.

Dr. Peter K. Rogan Lab, Western University
No classification provided (evidence only). Condition: Lung cancer. Review status: no classification provided. Collection method: in vitro. Allele origin: not applicable. Functional consequence: retained intron. Not counted in ClinVar's aggregate classification.

Dr. Peter K. Rogan Lab, Western University
No classification provided (evidence only). Condition: Lung cancer. Review status: no classification provided. Collection method: in vitro. Allele origin: not applicable. Functional consequence: retained intron. Not counted in ClinVar's aggregate classification.

Dr. Peter K. Rogan Lab, Western University
No classification provided (evidence only). Condition: Acute myeloid leukemia. Review status: no classification provided. Collection method: in vitro. Allele origin: not applicable. Functional consequence: retained intron. Not counted in ClinVar's aggregate classification.

Dr. Peter K. Rogan Lab, Western University
No classification provided (evidence only). Condition: Thyroid cancer, nonmedullary, 1. Review status: no classification provided. Collection method: in vitro. Allele origin: not applicable. Functional consequence: retained intron. Not counted in ClinVar's aggregate classification.

Dr. Peter K. Rogan Lab, Western University
No classification provided (evidence only). Condition: Thyroid cancer, nonmedullary, 1. Review status: no classification provided. Collection method: in vitro. Allele origin: not applicable. Functional consequence: retained intron. Not counted in ClinVar's aggregate classification.

Dr. Peter K. Rogan Lab, Western University
No classification provided (evidence only). Condition: Cervical cancer. Review status: no classification provided. Collection method: in vitro. Allele origin: not applicable. Functional consequence: retained intron. Not counted in ClinVar's aggregate classification.

Dr. Peter K. Rogan Lab, Western University
No classification provided (evidence only). Condition: Sarcoma. Review status: no classification provided. Collection method: in vitro. Allele origin: not applicable. Functional consequence: retained intron. Not counted in ClinVar's aggregate classification.

Dr. Peter K. Rogan Lab, Western University
No classification provided (evidence only). Condition: Malignant tumor of esophagus. Review status: no classification provided. Collection method: in vitro. Allele origin: not applicable. Functional consequence: retained intron. Not counted in ClinVar's aggregate classification.

Genome Diagnostics Laboratory, University Medical Center Utrecht
Classification: Benign. Review status: no assertion criteria provided. Collection method: clinical testing. Allele origin: germline. Affected: yes. Study: VKGL Data-share Consensus. Not counted in ClinVar's aggregate classification.

Laboratory of Diagnostic Genome Analysis, Leiden University Medical Center (LUMC)
Classification: Benign. Review status: no assertion criteria provided. Collection method: clinical testing. Allele origin: germline. Affected: yes. Study: VKGL Data-share Consensus. Not counted in ClinVar's aggregate classification.